The following is an entry in ClinVar:

NM_007294.4(BRCA1):c.3386T>C (p.Ile1129Thr)

Genes: BRCA1 (BRCA1 DNA repair associated; minus strand), LOC126862571 (BRD4-independent group 4 enhancer GRCh37_chr17:41243136-41244335; plus strand). Cytogenetic location: 17q21.31.
Variant type: single nucleotide variant.
Coding change: c.3386T>C on transcript NM_007294.4 (MANE Select); coding-DNA position 3386, T replaced by C.
Protein change: p.Ile1129Thr; replaces isoleucine 1129 with threonine.
Molecular consequence: missense variant. On other transcripts: intron variant (137).
Genome position (GRCh38, 1-based): chr17:43,092,145, A>G on the plus strand (T>C on the coding strand, the complement: BRCA1 is on the minus strand). VCF-style: chr17-43092145-A-G. GRCh37 (hg19) VCF-style: chr17-41244162-A-G.
Other names: c.3245T>C, p.Ile1082Thr (NM_001407726.1, NM_001407727.1, NM_001407728.1 and 29 more transcripts); c.710-1113T>C (NM_001408414.1, NM_001408411.1, NM_001408415.1 and 2 more transcripts); c.578-1113T>C (NM_001408514.1, NM_001408485.1, NM_001408483.1 and 9 more transcripts); c.662-1113T>C (NM_001408447.1, NM_001408433.1, NM_001408446.1 and 6 more transcripts); c.785-1113T>C (NM_001408400.1, NM_001408392.1, NM_001407986.1 and 13 more transcripts); c.665-1113T>C (NM_001408441.1, NM_001408437.1, NM_001408429.1 and 12 more transcripts); c.788-1113T>C (NM_001407979.1, NM_001407977.1, NM_001407982.1 and 17 more transcripts); c.647-1113T>C (NM_001408410.1, NM_001408458.1, NM_001408469.1 and 11 more transcripts); and 41 more; short protein forms I1129T, I1082T, I1002T, I1040T, I1103T, I1126T, I833T, I961T.
Identifiers: ClinVar variation 619792 (VCV000619792.5), dbSNP rs1567791871, ClinGen allele CA10595205.

ClinVar aggregate classification (germline): Conflicting classifications of pathogenicity. Review status: criteria provided, conflicting classifications (1 of 4 stars). 2 submissions from 2 submitters: Uncertain significance (1); Likely benign (1). Last evaluated 2023-03-23.

Conditions:
Hereditary cancer-predisposing syndrome. Also called: Tumor predisposition; Hereditary Cancer Syndrome; Neoplastic Syndromes, Hereditary; Hereditary neoplastic syndrome. Identifiers: Orphanet 140162, MedGen C0027672, MeSH D009386, MONDO:0015356.

Submissions (2):

University of Washington Department of Laboratory Medicine, University of Washington
Classification: Likely benign for Hereditary cancer-predisposing syndrome. Last evaluated: 2023-03-23. Review status: criteria provided, single submitter. Criteria: Dines et al. (Genet Med. 2020). Collection method: curation. Allele origin: germline.
Comment: Missense variant in a coldspot region where missense variants are very unlikely to be pathogenic (PMID:31911673).

BRCA1 coldspot (exon 11 using historical exon numbering). Reclassification based on statistical prior probability

Quest Diagnostics Nichols Institute San Juan Capistrano
Classification: Uncertain significance. Last evaluated: 2017-09-02. Review status: criteria provided, single submitter. Criteria: Quest Diagnostics criteria. Collection method: clinical testing. Allele origin: germline.